The following is an entry in ClinVar:

NM_017433.5(MYO3A):c.1772T>C (p.Met591Thr)

Gene: MYO3A (myosin IIIA; plus strand). Cytogenetic location: 10p12.1.
Variant type: single nucleotide variant.
Coding change: c.1772T>C on transcript NM_017433.5 (MANE Select); coding-DNA position 1772, T replaced by C.
Protein change: p.Met591Thr; replaces methionine 591 with threonine.
Molecular consequence: missense variant.
Genome position (GRCh38, 1-based): chr10:26,096,678, T>C. VCF-style: chr10-26096678-T-C. GRCh37 (hg19) VCF-style: chr10-26385607-T-C.
Other names: short protein forms M591T.
Identifiers: ClinVar variation 3401533 (VCV003401533.4).

ClinVar aggregate classification (germline): Uncertain significance. Review status: criteria provided, multiple submitters, no conflicts (2 of 4 stars). 3 submissions from 3 submitters: Uncertain significance (3). Last evaluated 2026-07-07.

Conditions:
MYO3A-related disorder. Also called: MYO3A-related condition.
Inborn genetic diseases. Identifiers: MedGen C0950123, MeSH D030342.

gnomAD v4.1: 14 of 1,557,178 alleles (0.0009%); highest among the groups gnomAD compares: Non-Finnish European, 0.0011%; no homozygotes.

Submissions (3):

PreventionGenetics, part of Exact Sciences
Classification: Uncertain significance for MYO3A-related condition. Last evaluated: 2026-07-07. Review status: criteria provided, single submitter. Criteria: ACMG Guidelines, 2015. Collection method: clinical testing. Allele origin: germline.
Comment: The MYO3A c.1772T>C variant is predicted to result in the amino acid substitution p.Met591Thr. To our knowledge, this variant has not been reported in the literature. This variant is reported in 0.00088% of alleles in individuals of European (Non-Finnish) descent in gnomAD. At this time, the clinical significance of this variant is uncertain due to the absence of conclusive functional and genetic evidence.

Labcorp Genetics (formerly Invitae), Labcorp
Classification: Uncertain significance. Last evaluated: 2025-02-13. Review status: criteria provided, single submitter. Criteria: Invitae Variant Classification Sherloc (09022015). Collection method: clinical testing. Allele origin: germline.
Comment: This sequence change replaces methionine, which is neutral and non-polar, with threonine, which is neutral and polar, at codon 591 of the MYO3A protein (p.Met591Thr). This variant is present in population databases (rs369621240, gnomAD 0.0009%). This variant has not been reported in the literature in individuals affected with MYO3A-related conditions. ClinVar contains an entry for this variant (Variation ID: 3401533). Invitae Evidence Modeling of protein sequence and biophysical properties (such as structural, functional, and spatial information, amino acid conservation, physicochemical variation, residue mobility, and thermodynamic stability) indicates that this missense variant is not expected to disrupt MYO3A protein function with a negative predictive value of 80%. In summary, the available evidence is currently insufficient to determine the role of this variant in disease. Therefore, it has been classified as a Variant of Uncertain Significance.

Ambry Genetics
Classification: Uncertain significance for Inborn genetic diseases. Last evaluated: 2024-10-09. Review status: criteria provided, single submitter. Criteria: Ambry Variant Classification Scheme 2023. Collection method: clinical testing. Allele origin: germline.